The following is an entry in ClinVar:

NM_152703.5(SAMD9L):c.1031G>C (p.Arg344Thr)

Gene: SAMD9L (sterile alpha motif domain containing 9 like; minus strand). Cytogenetic location: 7q21.2.
Variant type: single nucleotide variant.
Coding change: c.1031G>C on transcript NM_152703.5 (MANE Select); coding-DNA position 1031, G replaced by C.
Protein change: p.Arg344Thr; replaces arginine 344 with threonine.
Molecular consequence: missense variant.
Genome position (GRCh38, 1-based): chr7:93,134,941, C>G on the plus strand (G>C on the coding strand, the complement: SAMD9L is on the minus strand). VCF-style: chr7-93134941-C-G. GRCh37 (hg19) VCF-style: chr7-92764254-C-G.
Other names: c.1031G>C, p.Arg344Thr (NM_001303496.3, NM_001303497.3, NM_001303498.3 and 5 more transcripts); short protein forms R344T.
Identifiers: ClinVar variation 4630084 (VCV004630084.1).

ClinVar aggregate classification (germline): Uncertain significance (1 of 4 stars; one submission).

Conditions:
Inborn genetic diseases. Identifiers: MedGen C0950123, MeSH D030342.

Submission:

Ambry Genetics
Classification: Uncertain significance for Inborn genetic diseases. Last evaluated: 2025-10-28. Review status: criteria provided, single submitter. Criteria: Ambry Variant Classification Scheme 2023. Collection method: clinical testing. Allele origin: germline.
Comment: The p.R344T variant (also known as c.1031G>C), located in coding exon 1 of the SAMD9L gene, results from a G to C substitution at nucleotide position 1031. The arginine at codon 344 is replaced by threonine, an amino acid with similar properties. This amino acid position is conserved. In addition, the in silico prediction for this alteration is inconclusive. Based on the available evidence, the clinical significance of this variant remains unclear.